The following is an entry in ClinVar:

NM_000497.4(CYP11B1):c.*718T>G

Gene: CYP11B1 (cytochrome P450 family 11 subfamily B member 1; minus strand). Cytogenetic location: 8q24.3.
Variant type: single nucleotide variant.
Coding change: c.*718T>G on transcript NM_000497.4 (MANE Select); 718 bases downstream of the stop codon, T replaced by G.
Molecular consequence: 3 prime UTR variant.
Genome position (GRCh38, 1-based): chr8:142,873,655, A>C on the plus strand (T>G on the coding strand, the complement: CYP11B1 is on the minus strand). VCF-style: chr8-142873655-A-C. GRCh37 (hg19) VCF-style: chr8-143955071-A-C.
Other names: c.*718T>G (NM_001026213.1).
Identifiers: ClinVar variation 362129 (VCV000362129.5), dbSNP rs189479208, ClinGen allele CA10630376.

ClinVar aggregate classification (germline): Benign/Likely benign. Review status: criteria provided, single submitter (1 of 4 stars). 2 submissions from 1 submitter: Benign (1); Likely benign (1). Last evaluated 2018-01-12.

Conditions:
Deficiency of steroid 11-beta-monooxygenase (CYP11B1). Also called: ADRENAL HYPERPLASIA, CONGENITAL, DUE TO STEROID 11-BETA-HYDROXYLASE DEFICIENCY; 11-BETA-HYDROXYLASE DEFICIENCY; ADRENAL HYPERPLASIA IV; P450C11B1 DEFICIENCY; STEROID 11-BETA-HYDROXYLASE DEFICIENCY; Congenital adrenal hyperplasia due to 11-beta-hydroxylase deficiency. Identifiers: Orphanet 90795, MedGen C0268292, MONDO:0008729, OMIM 202010. Disease mechanism: loss of function.
Glucocorticoid-remediable aldosteronism. Also called: Hyperaldosteronism, familial, type I; ACTH-DEPENDENT HYPERALDOSTERONISM SYNDROME; ALDOSTERONISM, SENSITIVE TO DEXAMETHASONE; FH I; GLUCOCORTICOID-SUPPRESSIBLE HYPERALDOSTERONISM. Identifiers: Orphanet 403, MedGen C3838731, MONDO:0007080, OMIM 103900.

Allele frequency attached by ClinVar (database versions not stated): gnomAD 0.00032 and 0.00101; TOPMed 0.00049; 1000 Genomes Project 0.00519.

Submissions (2):

Illumina Laboratory Services, Illumina
Classification: Benign for Glucocorticoid-remediable aldosteronism. Last evaluated: 2018-01-12. Review status: criteria provided, single submitter. Criteria: ICSL Variant Classification Criteria 13 December 2019. Collection method: clinical testing. Allele origin: germline.
Comment: This variant was observed in the ICSL laboratory as part of a predisposition screen in an ostensibly healthy population. It had not been previously curated by ICSL or reported in the Human Gene Mutation Database (HGMD: prior to June 1st, 2018), and was therefore a candidate for classification through an automated scoring system. Utilizing variant allele frequency, disease prevalence and penetrance estimates, and inheritance mode, an automated score was calculated to assess if this variant is too frequent to cause the disease. Based on the score and internal cut-off values, a variant classified as benign is not then subjected to further curation. The score for this variant resulted in a classification of benign for this disease.

Illumina Laboratory Services, Illumina
Classification: Likely benign for Deficiency of steroid 11-beta-monooxygenase. Last evaluated: 2018-01-12. Review status: criteria provided, single submitter. Criteria: ICSL Variant Classification Criteria 13 December 2019. Collection method: clinical testing. Allele origin: germline.
Comment: This variant was observed in the ICSL laboratory as part of a predisposition screen in an ostensibly healthy population. It had not been previously curated by ICSL or reported in the Human Gene Mutation Database (HGMD: prior to June 1st, 2018), and was therefore a candidate for classification through an automated scoring system. Utilizing variant allele frequency, disease prevalence and penetrance estimates, and inheritance mode, an automated score was calculated to assess if this variant is too frequent to cause the disease. Based on the score and internal cut-off values, a variant classified as likely benign is not then subjected to further curation. The score for this variant resulted in a classification of likely benign for this disease.